The following is an entry in ClinVar:

ClinVar aggregate classification (germline): Pathogenic. Review status: criteria provided, multiple submitters, no conflicts (2 of 4 stars). 3 submissions from 3 submitters: Pathogenic (2). 1 of the submissions does not count toward it. Last evaluated 2022-03-27.

Conditions:
CPLANE1-related disorder. Also called: CPLANE1-related condition.
Joubert syndrome 17 (JBTS17). Identifiers: Orphanet 475, MedGen C3553264, MONDO:0013824, OMIM 614615.

Submissions (3):

Labcorp Genetics (formerly Invitae), Labcorp
Classification: Pathogenic. Last evaluated: 2022-03-27. Review status: criteria provided, single submitter. Criteria: Invitae Variant Classification Sherloc (09022015). Collection method: clinical testing. Allele origin: germline.
Comment: This sequence change creates a premature translational stop signal (p.Gln759*) in the CPLANE1 gene. It is expected to result in an absent or disrupted protein product. Loss-of-function variants in CPLANE1 are known to be pathogenic (PMID: 24178751, 26092869). For these reasons, this variant has been classified as Pathogenic. ClinVar contains an entry for this variant (Variation ID: 217573). This premature translational stop signal has been observed in individual(s) with Joubert syndrome (PMID: 26092869). This variant is not present in population databases (gnomAD no frequency).

UW Hindbrain Malformation Research Program, University of Washington
Classification: Pathogenic for Joubert syndrome 17. Last evaluated: 2015-02-23. Review status: criteria provided, single submitter. Criteria: Bachmann-Gagescu et al. (J Med Genet. 2015). Collection method: research. Allele origin: unknown. Affected: yes.

PreventionGenetics, part of Exact Sciences
Classification: Pathogenic for CPLANE1-related condition. Last evaluated: 2024-01-16. Review status: no assertion criteria provided. Collection method: clinical testing. Allele origin: germline. Not counted in ClinVar's aggregate classification.
Comment: The CPLANE1 c.2275C>T variant is predicted to result in premature protein termination (p.Gln759*). This variant was reported in an individual with Joubert syndrome (Bachmann-Gagescu et al. 2015. PubMed ID: 26092869; Lopez et al. 2013. PubMed ID: 24178751). This variant has not been reported in a large population database, indicating this variant is rare. Nonsense variants in CPLANE1 are expected to be pathogenic. This variant occurs in exon 12 of 52, and multiple protein-truncating variants upstream and downstream of this variant have been reported (HGMD, ClinVar). This variant is interpreted as pathogenic.

Literature cited by the submitters: PubMed 24178751 (cited by Labcorp Genetics (formerly Invitae), Labcorp); PubMed 26092869 (cited by Labcorp Genetics (formerly Invitae), Labcorp).

NM_001384732.1(CPLANE1):c.2275C>T (p.Gln759Ter)

Gene: CPLANE1 (ciliogenesis and planar polarity effector complex subunit 1; minus strand). Cytogenetic location: 5p13.2.
Variant type: single nucleotide variant.
Coding change: c.2275C>T on transcript NM_001384732.1 (MANE Select); coding-DNA position 2275, C replaced by T.
Protein change: p.Gln759Ter; replaces glutamine 759 with a stop codon.
Molecular consequence: nonsense.
Genome position (GRCh38, 1-based): chr5:37,226,320, G>A on the plus strand (C>T on the coding strand, the complement: CPLANE1 is on the minus strand). VCF-style: chr5-37226320-G-A. GRCh37 (hg19) VCF-style: chr5-37226422-G-A.
Other names: c.2275C>T, p.Gln759Ter (NM_023073.4); short protein forms Q759*.
Identifiers: ClinVar variation 217573 (VCV000217573.7), dbSNP rs863225158, ClinGen allele CA279425.